The following is an entry in ClinVar:

NM_000051.4(ATM):c.5701T>C (p.Leu1901=)

Gene: ATM (ATM serine/threonine kinase; plus strand). Cytogenetic location: 11q22.3.
Variant type: single nucleotide variant.
Coding change: c.5701T>C on transcript NM_000051.4 (MANE Select); coding-DNA position 5701, T replaced by C.
Protein change: p.Leu1901=; no amino-acid change (leucine 1901 retained).
Molecular consequence: synonymous variant.
Genome position (GRCh38, 1-based): chr11:108,307,923, T>C. VCF-style: chr11-108307923-T-C. GRCh37 (hg19) VCF-style: chr11-108178650-T-C.
Other names: c.5701T>C, p.Leu1901= (NM_001351834.2).
Identifiers: ClinVar variation 1539924 (VCV001539924.11), dbSNP rs2135976467, ClinGen allele CA476675227.

ClinVar aggregate classification (germline): Benign/Likely benign. Review status: criteria provided, multiple submitters, no conflicts (2 of 4 stars). 4 submissions from 4 submitters: Benign (1); Likely benign (3). Last evaluated 2025-01-02.

Conditions:
Ataxia-telangiectasia syndrome (AT). Also called: Cerebello-oculocutaneous telangiectasia; Immunodeficiency with ataxia telangiectasia; ATAXIA-TELANGIECTASIA, FRESNO VARIANT; Ataxia-telangiectasia, complementation group E; Ataxia-telangiectasia, complementation group D; AT, COMPLEMENTATION GROUP C. Identifiers: Orphanet 100, MedGen C0004135, MONDO:0008840, OMIM 208900.
Familial cancer of breast. Also called: Hereditary breast cancer; BREAST CANCER, FAMILIAL; hereditary breast carcinoma. Identifiers: Orphanet 227535, MedGen C0346153, MONDO:0016419, OMIM 114480. Disease mechanism: loss of function.
Hereditary cancer-predisposing syndrome. Also called: Tumor predisposition; Hereditary Cancer Syndrome; Hereditary neoplastic syndrome; Neoplastic Syndromes, Hereditary. Identifiers: Orphanet 140162, MedGen C0027672, MeSH D009386, MONDO:0015356.

Submissions (4):

Ambry Genetics
Classification: Likely benign for Hereditary cancer-predisposing syndrome. Last evaluated: 2025-01-02. Review status: criteria provided, single submitter. Criteria: Ambry Variant Classification Scheme 2023. Collection method: clinical testing. Allele origin: germline.

Myriad Genetics, Inc.
Classification: Benign for Familial cancer of breast. Last evaluated: 2024-05-24. Review status: criteria provided, single submitter. Criteria: Myriad Autosomal Dominant, Autosomal Recessive and X-Linked Classification Criteria (2023). Collection method: clinical testing. Allele origin: unknown.
Comment: This variant is considered benign. This variant is a silent/synonymous amino acid change and it is not expected to impact splicing.

Labcorp Genetics (formerly Invitae), Labcorp
Classification: Likely benign for Ataxia-telangiectasia syndrome. Last evaluated: 2023-11-11. Review status: criteria provided, single submitter. Criteria: Invitae Variant Classification Sherloc (09022015). Collection method: clinical testing. Allele origin: germline.

Sema4
Classification: Likely benign for Hereditary cancer-predisposing syndrome. Last evaluated: 2020-08-25. Review status: criteria provided, single submitter. Criteria: Sema4 Curation Guidelines. Collection method: curation. Allele origin: germline.